The following is an entry in ClinVar:

ClinVar aggregate classification (germline): Likely benign. Review status: criteria provided, multiple submitters, no conflicts (2 of 4 stars). 2 submissions from 2 submitters: Likely benign (2). Last evaluated 2025-12-29.

Conditions:
Hereditary sensory neuropathy-deafness-dementia syndrome. Also called: Hereditary sensory neuropathy type IE; Hereditary Sensory and Autonomic Neuropathy Type 1E (HSAN1E); NEUROPATHY, HEREDITARY SENSORY, WITH HEARING LOSS AND DEMENTIA; HSN IE. Identifiers: Orphanet 456318, MedGen C3279885, MONDO:0013584, OMIM 614116.
DNMT1-related disorder. Also called: DNMT1-related condition. Identifiers: MedGen CN381527.

gnomAD v4.1: 2 of 1,614,192 alleles (0.00012%); highest among the groups gnomAD compares: Non-Finnish European, 0.00017%; no homozygotes.

Submissions (2):

PreventionGenetics, part of Exact Sciences
Classification: Likely benign for DNMT1-related condition. Last evaluated: 2025-12-29. Review status: criteria provided, single submitter. Criteria: ACMG Guidelines, 2015. Collection method: clinical testing. Allele origin: germline.
Comment: This variant is classified as likely benign based on ACMG/AMP sequence variant interpretation guidelines (Richards et al. 2015 PMID: 25741868, with internal and published modifications).

Labcorp Genetics (formerly Invitae), Labcorp
Classification: Likely benign for Hereditary sensory neuropathy-deafness-dementia syndrome. Last evaluated: 2024-09-29. Review status: criteria provided, single submitter. Criteria: Invitae Variant Classification Sherloc (09022015). Collection method: clinical testing. Allele origin: germline.

NM_001130823.3(DNMT1):c.183A>G (p.Leu61=)

Gene: DNMT1 (DNA methyltransferase 1; minus strand). Cytogenetic location: 19p13.2.
Variant type: single nucleotide variant.
Coding change: c.183A>G on transcript NM_001130823.3 (MANE Select); coding-DNA position 183, A replaced by G.
Protein change: p.Leu61=; no amino-acid change (leucine 61 retained).
Molecular consequence: synonymous variant. On other transcripts: 5 prime UTR variant (1).
Genome position (GRCh38, 1-based): chr19:10,180,820, T>C on the plus strand (A>G on the coding strand, the complement: DNMT1 is on the minus strand). VCF-style: chr19-10180820-T-C. GRCh37 (hg19) VCF-style: chr19-10291496-T-C.
Other names: c.183A>G, p.Leu61= (NM_001318730.2, NM_001379.4); c.-141A>G (NM_001318731.2); c.183A>G (NM_001130823.2).
Identifiers: ClinVar variation 1656208 (VCV001656208.9), dbSNP rs2145379771, ClinGen allele CA505467482.